The following is an entry in ClinVar:

ClinVar aggregate classification (germline): Uncertain significance (1 of 4 stars; one submission).

Allele frequency attached by ClinVar (database versions not stated): gnomAD 0.00001; TOPMed 0.00002; ESP Exome Variant Server 0.00008.
gnomAD v4.1: 2 of 1,613,316 alleles (0.00012%); highest among the groups gnomAD compares: African/African-American, 0.0027%; no homozygotes.

Submission:

Labcorp Genetics (formerly Invitae), Labcorp
Classification: Uncertain significance. Last evaluated: 2022-11-08. Review status: criteria provided, single submitter. Criteria: Invitae Variant Classification Sherloc (09022015). Collection method: clinical testing. Allele origin: germline.
Comment: This sequence change replaces proline, which is neutral and non-polar, with serine, which is neutral and polar, at codon 12 of the ANKH protein (p.Pro12Ser). This variant is present in population databases (rs146119298, gnomAD 0.008%). This variant has not been reported in the literature in individuals affected with ANKH-related conditions. Advanced modeling of protein sequence and biophysical properties (such as structural, functional, and spatial information, amino acid conservation, physicochemical variation, residue mobility, and thermodynamic stability) performed at Invitae indicates that this missense variant is not expected to disrupt ANKH protein function. In summary, the available evidence is currently insufficient to determine the role of this variant in disease. Therefore, it has been classified as a Variant of Uncertain Significance.

NM_054027.6(ANKH):c.34C>T (p.Pro12Ser)

Gene: ANKH (ANKH inorganic pyrophosphate transport regulator; minus strand). Cytogenetic location: 5p15.2.
Variant type: single nucleotide variant.
Coding change: c.34C>T on transcript NM_054027.6 (MANE Select); coding-DNA position 34, C replaced by T.
Protein change: p.Pro12Ser; replaces proline 12 with serine.
Molecular consequence: missense variant.
Genome position (GRCh38, 1-based): chr5:14,871,414, G>A on the plus strand (C>T on the coding strand, the complement: ANKH is on the minus strand). VCF-style: chr5-14871414-G-A. GRCh37 (hg19) VCF-style: chr5-14871523-G-A.
Other names: short protein forms P12S.
Identifiers: ClinVar variation 2909213 (VCV002909213.3), dbSNP rs146119298, ClinGen allele CA3209263.